The following is an entry in ClinVar:

ClinVar aggregate classification (germline): Uncertain significance (1 of 4 stars; one submission).

Conditions:
Chédiak-Higashi syndrome (CHS). Also called: Chediak-Higashi Syndrome. Identifiers: Orphanet 167, MedGen C0007965, MONDO:0008963, OMIM 214500.

Allele frequency attached by ClinVar (database versions not stated): gnomAD exomes below 0.00001.
gnomAD v4.1: 2 of 1,344,614 alleles (0.00015%); highest among the groups gnomAD compares: Admixed American, 0.002%; no homozygotes.

Submission:

Labcorp Genetics (formerly Invitae), Labcorp
Classification: Uncertain significance for Chédiak-Higashi syndrome. Last evaluated: 2024-12-02. Review status: criteria provided, single submitter. Criteria: Invitae Variant Classification Sherloc (09022015). Collection method: clinical testing. Allele origin: germline.
Comment: This sequence change falls in intron 16 of the LYST gene. It does not directly change the encoded amino acid sequence of the LYST protein. It affects a nucleotide within the consensus splice site. The frequency data for this variant in the population databases is considered unreliable, as metrics indicate poor data quality at this position in the gnomAD database. This variant has not been reported in the literature in individuals affected with LYST-related conditions. ClinVar contains an entry for this variant (Variation ID: 2050557). Variants that disrupt the consensus splice site are a relatively common cause of aberrant splicing (PMID: 17576681, 9536098). Algorithms developed to predict the effect of sequence changes on RNA splicing suggest that this variant is not likely to affect RNA splicing. In summary, the available evidence is currently insufficient to determine the role of this variant in disease. Therefore, it has been classified as a Variant of Uncertain Significance.

Literature cited by the submitters: PubMed 17576681; PubMed 9536098.

NM_000081.4(LYST):c.5214+3A>G

Gene: LYST (lysosomal trafficking regulator; minus strand). Cytogenetic location: 1q42.3.
Variant type: single nucleotide variant.
Coding change: c.5214+3A>G on transcript NM_000081.4 (MANE Select); 3 bases into the intron after coding-DNA position 5214, A replaced by G.
Molecular consequence: intron variant.
Genome position (GRCh38, 1-based): chr1:235,780,862, T>C on the plus strand (A>G on the coding strand, the complement: LYST is on the minus strand). VCF-style: chr1-235780862-T-C. GRCh37 (hg19) VCF-style: chr1-235944162-T-C.
Other names: c.5214+3A>G (NM_001301365.1).
Identifiers: ClinVar variation 2050557 (VCV002050557.2), dbSNP rs1301983787, ClinGen allele CA529911438.